The following is an entry in ClinVar:

NM_001375567.1(FOCAD):c.1336G>T (p.Ala446Ser)

Gene: FOCAD (focadhesin; plus strand). Cytogenetic location: 9p21.3.
Variant type: single nucleotide variant.
Coding change: c.1336G>T on transcript NM_001375567.1 (MANE Select); coding-DNA position 1336, G replaced by T.
Protein change: p.Ala446Ser; replaces alanine 446 with serine.
Molecular consequence: missense variant.
Genome position (GRCh38, 1-based): chr9:20,789,489, G>T. VCF-style: chr9-20789489-G-T. GRCh37 (hg19) VCF-style: chr9-20789488-G-T.
Other names: c.1336G>T, p.Ala446Ser (NM_001375568.1, NM_017794.5); c.1231G>T, p.Ala411Ser (NM_001375570.1); c.1336G>T (NM_017794.4); short protein forms A411S, A446S.
Identifiers: ClinVar variation 3279452 (VCV003279452.4).
Genomic context (GRCh38, chr9:20,789,489, plus strand): 5'-ACAGACTCGTCTGCTGCAAGTGACTGGTTGGCTTCAGTAGAGTCATTGCTTCCTATTACT[G>T]CTGTGATCCCTGCGCCTGCCTTTCTTCTGCTGGCTCACCTCCTTGTTGAAGACAAAGGAC-3'
Protein context (NP_001362496.1, residues 436-456): ASVESLLPIT[Ala446Ser]VIPAPAFLLL

ClinVar aggregate classification (germline): Uncertain significance. Review status: criteria provided, multiple submitters, no conflicts (2 of 4 stars). 3 submissions from 3 submitters: Uncertain significance (3). Last evaluated 2025-01-08.

Conditions:
FOCAD-related disorder. Also called: FOCAD-related condition.
Inborn genetic diseases. Identifiers: MedGen C0950123, MeSH D030342.

gnomAD v4.1: 64 of 1,613,794 alleles (0.004%); highest among the groups gnomAD compares: Non-Finnish European, 0.0053%; no homozygotes.

Submissions (3):

PreventionGenetics, part of Exact Sciences
Classification: Uncertain significance for FOCAD-related condition. Last evaluated: 2025-01-08. Review status: criteria provided, single submitter. Criteria: ACMG Guidelines, 2015. Collection method: clinical testing. Allele origin: germline.
Comment: The FOCAD c.1336G>T variant is predicted to result in the amino acid substitution p.Ala446Ser. To our knowledge, this variant has not been reported in the literature. This variant is reported in 0.0062% of alleles in individuals of African descent in gnomAD and is classified as a variant of uncertain significance by one lab in ClinVar. At this time, the clinical significance of this variant is uncertain due to the absence of conclusive functional and genetic evidence.

Labcorp Genetics (formerly Invitae), Labcorp
Classification: Uncertain significance. Last evaluated: 2024-10-14. Review status: criteria provided, single submitter. Criteria: Invitae Variant Classification Sherloc (09022015). Collection method: clinical testing. Allele origin: germline.
Comment: This sequence change replaces alanine, which is neutral and non-polar, with serine, which is neutral and polar, at codon 446 of the FOCAD protein (p.Ala446Ser). This variant is present in population databases (rs140442849, gnomAD 0.007%). This variant has not been reported in the literature in individuals affected with FOCAD-related conditions. In summary, the available evidence is currently insufficient to determine the role of this variant in disease. Therefore, it has been classified as a Variant of Uncertain Significance.

Ambry Genetics
Classification: Uncertain significance for Inborn genetic diseases. Last evaluated: 2024-06-16. Review status: criteria provided, single submitter. Criteria: Ambry Variant Classification Scheme 2023. Collection method: clinical testing. Allele origin: germline.